The following is an entry in ClinVar:

NM_014251.3(SLC25A13):c.318A>G (p.Glu106=)

Gene: SLC25A13 (solute carrier family 25 member 13; minus strand). Cytogenetic location: 7q21.3.
Variant type: single nucleotide variant.
Coding change: c.318A>G on transcript NM_014251.3 (MANE Select); coding-DNA position 318, A replaced by G.
Protein change: p.Glu106=; no amino-acid change (glutamic acid 106 retained).
Molecular consequence: synonymous variant.
Genome position (GRCh38, 1-based): chr7:96,234,812, T>C on the plus strand (A>G on the coding strand, the complement: SLC25A13 is on the minus strand). VCF-style: chr7-96234812-T-C. GRCh37 (hg19) VCF-style: chr7-95864124-T-C.
Other names: c.318A>G, p.Glu106= (NM_001160210.2).
Identifiers: ClinVar variation 934141 (VCV000934141.9), dbSNP rs772488794, ClinGen allele CA4353342.
Genomic context (GRCh38, chr7:96,234,812, plus strand): 5'-CTCACACAAGTCCACACTTACACAGACGTGCACAGAAGCATGCTTCTTACCAAAAGTTAC[T>C]TCTCCTTTGCCAGCTTTGTCAAACAGCTGAAAGGCTACCATAAACAAAGCATCAGGGGCA-3'
Protein context (NP_055066.1, residues 96-116): FQLFDKAGKG[Glu106=]VTFEDVKQVF

ClinVar aggregate classification (germline): Uncertain significance (1 of 4 stars; one submission).

Conditions:
Citrin deficiency. Identifiers: Orphanet 247582, MedGen C1997910, MONDO:0016602.

Allele frequency attached by ClinVar (database versions not stated): gnomAD exomes below 0.00001; ExAC 0.00001; gnomAD 0.00001; TOPMed 0.00002.
gnomAD v4.1: 2 of 1,612,638 alleles (0.00012%); highest among the groups gnomAD compares: African/African-American, 0.0013%; no homozygotes.

Submission:

Labcorp Genetics (formerly Invitae), Labcorp
Classification: Uncertain significance for Citrin deficiency. Last evaluated: 2022-10-14. Review status: criteria provided, single submitter. Criteria: Invitae Variant Classification Sherloc (09022015). Collection method: clinical testing. Allele origin: germline.
Comment: In summary, the available evidence is currently insufficient to determine the role of this variant in disease. Therefore, it has been classified as a Variant of Uncertain Significance. Algorithms developed to predict the effect of sequence changes on RNA splicing suggest that this variant may create or strengthen a splice site. ClinVar contains an entry for this variant (Variation ID: 934141). This variant has not been reported in the literature in individuals affected with SLC25A13-related conditions. This variant is present in population databases (rs772488794, gnomAD 0.007%). This sequence change affects codon 106 of the SLC25A13 mRNA. It is a 'silent' change, meaning that it does not change the encoded amino acid sequence of the SLC25A13 protein.